The following is an entry in ClinVar:

ClinVar aggregate classification (germline): Uncertain significance (1 of 4 stars; one submission).

Conditions:
Rhabdoid tumor predisposition syndrome 2 (RTPS2). Identifiers: Orphanet 231108, Orphanet 69077, MedGen C2750074, MONDO:0013224, OMIM 613325.

Submission:

Labcorp Genetics (formerly Invitae), Labcorp
Classification: Uncertain significance for Rhabdoid tumor predisposition syndrome 2. Last evaluated: 2024-11-18. Review status: criteria provided, single submitter. Criteria: Invitae Variant Classification Sherloc (09022015). Collection method: clinical testing. Allele origin: germline.
Comment: This sequence change replaces glutamic acid, which is acidic and polar, with glutamine, which is neutral and polar, at codon 593 of the SMARCA4 protein (p.Glu593Gln). This variant is not present in population databases (gnomAD no frequency). This variant has not been reported in the literature in individuals affected with SMARCA4-related conditions. ClinVar contains an entry for this variant (Variation ID: 2696965). Invitae Evidence Modeling of protein sequence and biophysical properties (such as structural, functional, and spatial information, amino acid conservation, physicochemical variation, residue mobility, and thermodynamic stability) has been performed for this missense variant. However, the output from this modeling did not meet the statistical confidence thresholds required to predict the impact of this variant on SMARCA4 protein function. In summary, the available evidence is currently insufficient to determine the role of this variant in disease. Therefore, it has been classified as a Variant of Uncertain Significance.

NM_003072.5(SMARCA4):c.1777G>C (p.Glu593Gln)

Gene: SMARCA4 (SWI/SNF related BAF chromatin remodeling complex subunit ATPase 4; plus strand). Cytogenetic location: 19p13.2.
Variant type: single nucleotide variant.
Coding change: c.1777G>C on transcript NM_003072.5 (MANE Select); coding-DNA position 1777, G replaced by C.
Protein change: p.Glu593Gln; replaces glutamic acid 593 with glutamine.
Molecular consequence: missense variant. On other transcripts: non-coding transcript variant (1).
Genome position (GRCh38, 1-based): chr19:10,996,509, G>C. VCF-style: chr19-10996509-G-C. GRCh37 (hg19) VCF-style: chr19-11107185-G-C.
Other names: c.1777G>C, p.Glu593Gln (NM_001128846.2, NM_001128847.4, NM_001128848.2 and 6 more transcripts); short protein forms E593Q.
Identifiers: ClinVar variation 2696965 (VCV002696965.3), dbSNP rs1555763975, ClinGen allele CA404064770.